The following is an entry in ClinVar:

ClinVar aggregate classification (germline): Benign/Likely benign. Review status: criteria provided, multiple submitters, no conflicts (2 of 4 stars). 4 submissions from 4 submitters: Benign (2); Likely benign (1). 1 of the submissions does not count toward it. Last evaluated 2025-03-04.

Allele frequency attached by ClinVar (database versions not stated): gnomAD 0.00011 and 0.00302; ESP Exome Variant Server 0.00023; TOPMed 0.00056; gnomAD exomes 0.01092; ExAC 0.01652; 1000 Genomes Project 30x 0.01999; 1000 Genomes Project 0.02196.
gnomAD v4.1: 7,821 of 1,598,828 alleles (0.49%); highest among the groups gnomAD compares: South Asian, 8.2%; 338 homozygotes.

Submissions (4):

Center for Genomic Medicine, Rigshospitalet, Copenhagen University Hospital
Classification: Benign. Last evaluated: 2025-03-04. Review status: criteria provided, single submitter. Criteria: ACMG Guidelines, 2015. Collection method: clinical testing. Allele origin: germline.

GeneDx
Classification: Benign. Last evaluated: 2018-07-08. Review status: criteria provided, single submitter. Criteria: GeneDx Variant Classification Process June 2021. Collection method: clinical testing. Allele origin: germline. Affected: yes.

Breakthrough Genomics
Classification: Likely benign. Review status: criteria provided, single submitter. Criteria: ACMG Guidelines, 2015. Collection method: not provided. Allele origin: germline. Inheritance: Autosomal recessive inheritance. Affected: yes.

Leiden Open Variation Database
Classification: Uncertain significance. Last evaluated: 2014-11-02. Review status: no assertion criteria provided. Collection method: curation. Allele origin: germline. Affected: yes. Not counted in ClinVar's aggregate classification.
Comment: Curator: Arleen D. Auerbach. Submitter to LOVD: Christine Rappaport.

NM_058216.3(RAD51C):c.*25C>G

Gene: RAD51C (RAD51 paralog C; plus strand). Cytogenetic location: 17q22.
Variant type: single nucleotide variant.
Coding change: c.*25C>G on transcript NM_058216.3 (MANE Select); 25 bases downstream of the stop codon, C replaced by G.
Molecular consequence: 3 prime UTR variant. On other transcripts: non-coding transcript variant (1).
Genome position (GRCh38, 1-based): chr17:58,734,247, C>G. VCF-style: chr17-58734247-C-G. GRCh37 (hg19) VCF-style: chr17-56811608-C-G.
Identifiers: ClinVar variation 324174 (VCV000324174.16), dbSNP rs28363336, ClinGen allele CA8677419.